The following is an entry in ClinVar:

NM_024809.5(TCTN2):c.1943_1944del (p.Cys648fs)

Gene: TCTN2 (tectonic family member 2; plus strand). Cytogenetic location: 12q24.31.
Variant type: Microsatellite.
Coding change: c.1943_1944del on transcript NM_024809.5 (MANE Select); coding-DNA positions 1943 to 1944, 2 bases deleted (GT; older notation c.1943_1944delGT).
Protein change: p.Cys648fs; shifts the reading frame from cysteine 648.
Molecular consequence: frameshift variant.
Genome position (GRCh38, 1-based): chr12:123,707,032-123,707,033, GT deleted; deleting any 2 consecutive bases within chr12:123,707,028-123,707,033 gives the same sequence; the c. name uses the placement nearest the transcript's 3' end. VCF-style (leftmost placement, unchanged base first): chr12-123707027-GGT-G. GRCh37 (hg19) VCF-style: chr12-124191574-GGT-G.
Other names: c.1940_1941del, p.Cys647fs (NM_001143850.3); short protein forms C647fs, C648fs.
Identifiers: ClinVar variation 1399608 (VCV001399608.8), dbSNP rs2135862848, ClinGen allele CA2580614596.

ClinVar aggregate classification (germline): Uncertain significance (1 of 4 stars; one submission).

Conditions:
Joubert syndrome. Also called: CEREBELLOPARENCHYMAL DISORDER IV; JOUBERT-BOLTSHAUSER SYNDROME; Familial aplasia of the vermis. Identifiers: Orphanet 475, MedGen C5979921, MONDO:0018772.
Meckel-Gruber syndrome. Also called: DYSENCEPHALIA SPLANCHNOCYSTICA; GRUBER SYNDROME; Dysencephalia splachnocystica. Identifiers: Orphanet 564, MedGen C0265215, MONDO:0018921.

Submission:

Labcorp Genetics (formerly Invitae), Labcorp
Classification: Uncertain significance for Joubert syndrome; Meckel-Gruber syndrome. Last evaluated: 2021-06-21. Review status: criteria provided, single submitter. Criteria: Invitae Variant Classification Sherloc (09022015). Collection method: clinical testing. Allele origin: germline.
Comment: In summary, the available evidence is currently insufficient to determine the role of this variant in disease. Therefore, it has been classified as a Variant of Uncertain Significance. This variant has not been reported in the literature in individuals with TCTN2-related conditions. This variant is not present in population databases (ExAC no frequency). This sequence change creates a premature translational stop signal (p.Cys648Leufs*23) in the TCTN2 gene. While this is not anticipated to result in nonsense mediated decay, it is expected to disrupt the last 50 amino acid(s) of the TCTN2 protein.